The following is an entry in ClinVar:

ClinVar aggregate classification (germline): Benign (1 of 4 stars; one submission).

Conditions:
Sessile serrated polyposis cancer syndrome (SSPCS). Identifiers: Orphanet 157798, MedGen C4310714, MONDO:0014919, OMIM 617108.

Submission:

Myriad Genetics, Inc.
Classification: Benign for Sessile serrated polyposis cancer syndrome. Last evaluated: 2026-07-01. Review status: criteria provided, single submitter. Criteria: Myriad Autosomal Dominant, Autosomal Recessive and X-Linked Classification Criteria (2023). Collection method: clinical testing. Allele origin: unknown.
Comment: This variant is considered benign. This variant is a silent/synonymous amino acid change and it is not expected to impact splicing.

NM_017763.6(RNF43):c.1101T>A (p.Ala367=)

Gene: RNF43 (ring finger protein 43; minus strand). Cytogenetic location: 17q22.
Variant type: single nucleotide variant.
Coding change: c.1101T>A on transcript NM_017763.6 (MANE Select); coding-DNA position 1101, T replaced by A.
Protein change: p.Ala367=; no amino-acid change (alanine 367 retained).
Molecular consequence: synonymous variant.
Genome position (GRCh38, 1-based): chr17:58,358,675, A>T on the plus strand (T>A on the coding strand, the complement: RNF43 is on the minus strand). VCF-style: chr17-58358675-A-T. GRCh37 (hg19) VCF-style: chr17-56436036-A-T.
Other names: c.1101T>A, p.Ala367= (NM_001305544.3, NM_001438820.1, NM_001438821.1 and 1 more transcripts); c.720T>A, p.Ala240= (NM_001305545.2, NM_001437987.1).
Identifiers: ClinVar variation 5042402 (VCV005042402.1).